The following is an entry in ClinVar:

NM_004415.4(DSP):c.7567_7570del (p.Lys2523fs)

Gene: DSP (desmoplakin; plus strand). Cytogenetic location: 6p24.3.
Variant type: Deletion.
Coding change: c.7567_7570del on transcript NM_004415.4 (MANE Select); coding-DNA positions 7567 to 7570, 4 bases deleted (AAGA; older notation c.7567_7570delAAGA).
Protein change: p.Lys2523fs; shifts the reading frame from lysine 2523.
Molecular consequence: frameshift variant.
Genome position (GRCh38, 1-based): chr6:7,584,829-7,584,832, AAGA deleted; deleting any 4 consecutive bases within chr6:7,584,826-7,584,832 gives the same sequence; the c. name uses the placement nearest the transcript's 3' end. VCF-style (leftmost placement, unchanged base first): chr6-7584825-TAGAA-T. GRCh37 (hg19) VCF-style: chr6-7585058-TAGAA-T.
Other names: c.7567_7570delAAGA (NM_004415.2); c.5770_5773del, p.Lys1924fs (NM_001008844.3); c.6238_6241del, p.Lys2080fs (NM_001319034.2); short protein forms K2080fs, K2523fs, K1924fs.
Identifiers: ClinVar variation 941804 (VCV000941804.13), dbSNP rs1759580297, ClinGen allele CA658820675.

ClinVar aggregate classification (germline): Pathogenic. Review status: criteria provided, multiple submitters, no conflicts (2 of 4 stars). 3 submissions from 3 submitters: Pathogenic (3). Last evaluated 2026-09-05.

Conditions:
Arrhythmogenic cardiomyopathy with wooly hair and keratoderma. Also called: Arrhythmogenic cardiomyopathy with woolly hair and keratoderma; Carvajal syndrome; Dilated cardiomyopathy with woolly hair and keratoderma; PALMOPLANTAR KERATODERMA WITH LEFT VENTRICULAR CARDIOMYOPATHY AND WOOLLY HAIR. Identifiers: Orphanet 65282, MedGen C1854063, MONDO:0011581, OMIM 605676.
Arrhythmogenic right ventricular dysplasia 8 (ARVD8). Also called: Arrhythmogenic Right Ventricular Dysplasia/Cardiomyopathy 8; ARRHYTHMOGENIC RIGHT VENTRICULAR DYSPLASIA, FAMILIAL, 8; ARRHYTHMOGENIC RIGHT VENTRICULAR CARDIOMYOPATHY 8. Identifiers: MedGen C1843896, MONDO:0011831, OMIM 607450.
Cardiovascular phenotype. Identifiers: MedGen CN230736.

Submissions (3):

GeneDx
Classification: Pathogenic. Last evaluated: 2026-09-05. Review status: criteria provided, single submitter. Criteria: GeneDx Variant Classification Process June 2021. Collection method: clinical testing. Allele origin: germline.
Comment: Identified in patients with DCM referred for genetic testing at GeneDx and in published literature; one patient harbored a second DSP variant in trans (PMID: 31317183, 24825141); Frameshift variant predicted to result in protein truncation in a gene for which loss of function is a known mechanism of disease; Not observed at significant frequency in large population cohorts (gnomAD); This variant is associated with the following publications: (PMID: 29247119, 31317183, 24825141)

Labcorp Genetics (formerly Invitae), Labcorp
Classification: Pathogenic for Arrhythmogenic cardiomyopathy with wooly hair and keratoderma; Arrhythmogenic right ventricular dysplasia 8. Last evaluated: 2026-01-26. Review status: criteria provided, single submitter. Criteria: Invitae Variant Classification Sherloc (09022015). Collection method: clinical testing. Allele origin: germline.
Comment: This sequence change creates a premature translational stop signal (p.Lys2523Glnfs*37) in the DSP gene. While this is not anticipated to result in nonsense mediated decay, it is expected to disrupt the last 349 amino acid(s) of the DSP protein. This variant is not present in population databases (gnomAD no frequency). This premature translational stop signal has been observed in individual(s) with Carvajal syndrome (PMID: 24825141, 29247119). ClinVar contains an entry for this variant (Variation ID: 941804). This variant disrupts a region of the DSP protein in which other variant(s) (p.Lys2542Serfs*8) have been determined to be pathogenic (PMID: 11063735). This suggests that this is a clinically significant region of the protein, and that variants that disrupt it are likely to be disease-causing. For these reasons, this variant has been classified as Pathogenic.

Ambry Genetics
Classification: Pathogenic for Cardiovascular phenotype. Last evaluated: 2025-05-20. Review status: criteria provided, single submitter. Criteria: Ambry Variant Classification Scheme 2023. Collection method: clinical testing. Allele origin: germline.
Comment: The c.7567_7570delAAGA pathogenic mutation, located in coding exon 24 of the DSP gene, results from a deletion of 4 nucleotides at nucleotide positions 7567 to 7570, causing a translational frameshift with a predicted alternate stop codon (p.K2523Qfs*37). This alteration occurs at the 3' terminus of theXXX gene, is not expected to trigger nonsense-mediated mRNA decay, and impacts the last 12% of the protein. However, premature stop codons are typically deleterious in nature and a significant portion of the protein is affected (Ambry internal data). Alterations in DSP that result in haploinsufficiency or protein truncation have been reported in patients with arrhythmogenic right ventricular cardiomyopathy (ARVC) and dilated cardiomyopathy (DCM) (Fressart V et al. Europace.2010;12(6):861-8; Elliott P et al. Circ Cardiovasc Genet. 2010;3(4):314-22; Quarta G et al. Circulation. 2011;123(23):2701-9; Garcia-Pavia P et al. Heart. 2011;97(21):1744-52; Rasmussen TB et al. Clin Genet.2013;84(1):20-30; Pugh TJ et al. Genet Med. 2014;16(8):601-8). This variant has been reported in subjects with DSP-related disease (Yesudian PD et al. Clin Exp Dermatol, 2014 Jun;39:506-8; Augusto JB et al. Eur Heart J Cardiovasc Imaging, 2020 Mar;21:326-336). This variant is considered to be rare based on population cohorts in the Genome Aggregation Database (gnomAD). Based on the supporting evidence, this variant is interpreted as a disease-causing mutation.

Literature cited by the submitters: PubMed 24825141 (cited by Labcorp Genetics (formerly Invitae), Labcorp and Ambry Genetics); PubMed 29247119 (cited by Labcorp Genetics (formerly Invitae), Labcorp); PubMed 11063735 (cited by Labcorp Genetics (formerly Invitae), Labcorp); PubMed 31317183 (cited by Ambry Genetics).